The following is an entry in ClinVar:

ClinVar aggregate classification (germline): Benign/Likely benign. Review status: criteria provided, multiple submitters, no conflicts (2 of 4 stars). 11 submissions from 11 submitters: Benign (6); Likely benign (4). 1 of the submissions does not count toward it. Last evaluated 2026-01-27.

Conditions:
Hereditary cancer-predisposing syndrome. Also called: Hereditary neoplastic syndrome; Neoplastic Syndromes, Hereditary; Tumor predisposition; Hereditary Cancer Syndrome. Identifiers: Orphanet 140162, MedGen C0027672, MeSH D009386, MONDO:0015356.
BARD1-related disorder. Also called: BARD1-related condition.
Familial cancer of breast. Also called: BREAST CANCER, FAMILIAL; Hereditary breast cancer; hereditary breast carcinoma. Identifiers: Orphanet 227535, MedGen C0346153, MONDO:0016419, OMIM 114480. Disease mechanism: loss of function.

Allele frequency attached by ClinVar (database versions not stated): gnomAD exomes 0.00003 and 0.00011; ExAC 0.00012; TOPMed 0.00022; gnomAD 0.00027; 1000 Genomes Project 30x 0.00031; 1000 Genomes Project 0.00040.
gnomAD v4.1: 85 of 1,614,070 alleles (0.0053%); highest among the groups gnomAD compares: African/African-American, 0.087%; no homozygotes.

Submissions (11):

Labcorp Genetics (formerly Invitae), Labcorp
Classification: Benign for Familial cancer of breast. Last evaluated: 2026-01-27. Review status: criteria provided, single submitter. Criteria: Invitae Variant Classification Sherloc (09022015). Collection method: clinical testing. Allele origin: germline.

Center for Genomic Medicine, Rigshospitalet, Copenhagen University Hospital
Classification: Likely benign. Last evaluated: 2025-03-04. Review status: criteria provided, single submitter. Criteria: ACMG Guidelines, 2015. Collection method: clinical testing. Allele origin: germline.

Quest Diagnostics Nichols Institute San Juan Capistrano
Classification: Benign. Last evaluated: 2025-02-01. Review status: criteria provided, single submitter. Criteria: Quest Diagnostics criteria. Collection method: clinical testing. Allele origin: unknown.

Myriad Genetics, Inc.
Classification: Benign for Familial cancer of breast. Last evaluated: 2024-07-25. Review status: criteria provided, single submitter. Criteria: Myriad Autosomal Dominant, Autosomal Recessive and X-Linked Classification Criteria (2023). Collection method: clinical testing. Allele origin: unknown.
Comment: This variant is considered benign. This variant is a silent/synonymous amino acid change and it is not expected to impact splicing.

Institute for Biomarker Research, Medical Diagnostic Laboratories, L.L.C.
Classification: Benign for Hereditary cancer-predisposing syndrome. Last evaluated: 2023-11-06. Review status: criteria provided, single submitter. Criteria: ACMG Guidelines, 2015. Collection method: clinical testing. Allele origin: germline.

Sema4
Classification: Likely benign for Hereditary cancer-predisposing syndrome. Last evaluated: 2020-09-06. Review status: criteria provided, single submitter. Criteria: Sema4 Curation Guidelines. Collection method: curation. Allele origin: germline.

Women's Health and Genetics/Laboratory Corporation of America, LabCorp
Classification: Benign. Last evaluated: 2018-11-30. Review status: criteria provided, single submitter. Criteria: LabCorp Variant Classification Summary - May 2015. Collection method: clinical testing. Allele origin: germline.
Comment: Variant summary: The BARD1 c.1491A>G alters a non-conserved nucleotide resulting in a synonymous change. 5/5 computational tools predict no significant impact on normal splicing. However, these predictions have yet to be confirmed by functional studies. The variant allele was found at a frequency of 0.00013 in 277086 control chromosomes, predominantly at a frequency of 0.0011 within the African subpopulation in the gnomAD database. The observed variant frequency within African control individuals in the gnomAD database is approximately 4.4 fold of the estimated maximal expected allele frequency for a pathogenic variant in BARD1 causing Hereditary Breast and Ovarian Cancer phenotype (0.00025), strongly suggesting that the variant is a benign polymorphism found primarily in populations of African origin. To our knowledge, no occurrence of c.1491A>G in individuals affected with Hereditary Breast and Ovarian Cancer and no experimental evidence demonstrating its impact on protein function have been reported. Three ClinVar submissions from clinical diagnostic laboratories (evaluation after 2014) cite the variant as likely benign/benign. Based on the evidence outlined above, the variant was classified as benign.

Color Diagnostics, LLC DBA Color Health
Classification: Likely benign for Hereditary cancer-predisposing syndrome. Last evaluated: 2016-04-28. Review status: criteria provided, single submitter. Criteria: ACMG Guidelines, 2015. Collection method: clinical testing. Allele origin: germline.

GeneDx
Classification: Benign. Last evaluated: 2015-07-23. Review status: criteria provided, single submitter. Criteria: GeneDx Variant Classification (06012015). Collection method: clinical testing. Allele origin: germline. Affected: yes.
Comment: This variant is considered likely benign or benign based on one or more of the following criteria: it is a conservative change, it occurs at a poorly conserved position in the protein, it is predicted to be benign by multiple in silico algorithms, and/or has population frequency not consistent with disease.

Ambry Genetics
Classification: Likely benign for Hereditary cancer-predisposing syndrome. Last evaluated: 2014-12-26. Review status: criteria provided, single submitter. Criteria: Ambry Variant Classification Scheme 2023. Collection method: clinical testing. Allele origin: germline.

PreventionGenetics, part of Exact Sciences
Classification: Likely benign for BARD1-related condition. Last evaluated: 2019-10-17. Review status: no assertion criteria provided. Collection method: clinical testing. Allele origin: germline. Not counted in ClinVar's aggregate classification.
Comment: This variant is classified as likely benign based on ACMG/AMP sequence variant interpretation guidelines (Richards et al. 2015 PMID: 25741868, with internal and published modifications).

Literature cited by the submitters: PubMed 26787654 (cited by Quest Diagnostics Nichols Institute San Juan Capistrano and Women's Health and Genetics/Laboratory Corporation of America, LabCorp).

NM_000465.4(BARD1):c.1491A>G (p.Pro497=)

Gene: BARD1 (BRCA1 associated RING domain 1; minus strand). Cytogenetic location: 2q35.
Variant type: single nucleotide variant.
Coding change: c.1491A>G on transcript NM_000465.4 (MANE Select); coding-DNA position 1491, A replaced by G.
Protein change: p.Pro497=; no amino-acid change (proline 497 retained).
Molecular consequence: synonymous variant. On other transcripts: non-coding transcript variant (3), intron variant (3).
Genome position (GRCh38, 1-based): chr2:214,767,559, T>C on the plus strand (A>G on the coding strand, the complement: BARD1 is on the minus strand). VCF-style: chr2-214767559-T-C. GRCh37 (hg19) VCF-style: chr2-215632283-T-C.
Other names: c.1434A>G, p.Pro478= (NM_001282543.2); c.159-15004A>G (NM_001282548.2); c.216-15004A>G (NM_001282545.2); c.364+24738A>G (NM_001282549.2).
Identifiers: ClinVar variation 184616 (VCV000184616.27), dbSNP rs61754117, ClinGen allele CA189474.